The following is an entry in ClinVar:

NM_024422.6(DSC2):c.562G>A (p.Val188Met)

Gene: DSC2 (desmocollin 2; minus strand). Cytogenetic location: 18q12.1.
Variant type: single nucleotide variant.
Coding change: c.562G>A on transcript NM_024422.6 (MANE Select); coding-DNA position 562, G replaced by A.
Protein change: p.Val188Met; replaces valine 188 with methionine.
Molecular consequence: missense variant.
Genome position (GRCh38, 1-based): chr18:31,089,507, C>T on the plus strand (G>A on the coding strand, the complement: DSC2 is on the minus strand). VCF-style: chr18-31089507-C-T. GRCh37 (hg19) VCF-style: chr18-28669470-C-T.
Other names: c.562G>A (NM_024422.3); c.133G>A, p.Val45Met (NM_001406506.1, NM_001406507.1); c.562G>A, p.Val188Met (NM_004949.5); short protein forms V188M, V45M.
Identifiers: ClinVar variation 2142747 (VCV002142747.7), dbSNP rs146754448, ClinGen allele CA402113583.

ClinVar aggregate classification (germline): Uncertain significance. Review status: criteria provided, multiple submitters, no conflicts (2 of 4 stars). 4 submissions from 4 submitters: Uncertain significance (4). Last evaluated 2025-11-08.

Conditions:
Cardiovascular phenotype. Identifiers: MedGen CN230736.
Arrhythmogenic right ventricular dysplasia 11. Also called: Arrhythmogenic right ventricular dysplasia 11 with mild palmoplantar keratoderma and woolly hair; Arrhythmogenic Right Ventricular Dysplasia/Cardiomyopathy11; ARRHYTHMOGENIC RIGHT VENTRICULAR DYSPLASIA, FAMILIAL, 11. Identifiers: MedGen C1864850, MONDO:0012506, OMIM 610476.
Cardiomyopathy (CMYO). Also called: Cardiomyopathies. Identifiers: Orphanet 167848, MedGen C0878544, MONDO:0004994, HP:0001638. Inheritance: Various modes of inheritance.

Allele frequency attached by ClinVar (database versions not stated): TOPMed 0.00001.
gnomAD v4.1: 4 of 1,613,988 alleles (0.00025%); highest among the groups gnomAD compares: African/African-American, 0.0013%; no homozygotes.

Submissions (4):

Labcorp Genetics (formerly Invitae), Labcorp
Classification: Uncertain significance for Arrhythmogenic right ventricular dysplasia 11. Last evaluated: 2025-11-08. Review status: criteria provided, single submitter. Criteria: Invitae Variant Classification Sherloc (09022015). Collection method: clinical testing. Allele origin: germline.
Comment: This sequence change replaces valine, which is neutral and non-polar, with methionine, which is neutral and non-polar, at codon 188 of the DSC2 protein (p.Val188Met). This variant is not present in population databases (gnomAD no frequency). This variant has not been reported in the literature in individuals affected with DSC2-related conditions. ClinVar contains an entry for this variant (Variation ID: 2142747). Invitae Evidence Modeling of protein sequence and biophysical properties (such as structural, functional, and spatial information, amino acid conservation, physicochemical variation, residue mobility, and thermodynamic stability) indicates that this missense variant is not expected to disrupt DSC2 protein function with a negative predictive value of 80%. In summary, the available evidence is currently insufficient to determine the role of this variant in disease. Therefore, it has been classified as a Variant of Uncertain Significance.

Ambry Genetics
Classification: Uncertain significance for Cardiovascular phenotype. Last evaluated: 2025-09-19. Review status: criteria provided, single submitter. Criteria: Ambry Variant Classification Scheme 2023. Collection method: clinical testing. Allele origin: germline.
Comment: The p.V188M variant (also known as c.562G>A), located in coding exon 5 of the DSC2 gene, results from a G to A substitution at nucleotide position 562. The valine at codon 188 is replaced by methionine, an amino acid with highly similar properties. This amino acid position is not well conserved in available vertebrate species. In addition, this alteration is predicted to be tolerated by in silico analysis. Based on the available evidence, the clinical significance of this variant remains unclear.

Color Diagnostics, LLC DBA Color Health
Classification: Uncertain significance for Cardiomyopathy. Last evaluated: 2024-03-06. Review status: criteria provided, single submitter. Criteria: ACMG Guidelines, 2015. Collection method: clinical testing. Allele origin: germline.
Comment: This missense variant replaces valine with methionine at codon 188 of the DSC2 protein. Computational prediction suggests that this variant may not impact protein structure and function (internally defined REVEL score threshold <= 0.5, PMID: 27666373). To our knowledge, functional studies have not been reported for this variant. This variant has not been reported in individuals affected with cardiovascular disorders in the literature. This variant has not been identified in the general population by the Genome Aggregation Database (gnomAD). The available evidence is insufficient to determine the role of this variant in disease conclusively. Therefore, this variant is classified as a Variant of Uncertain Significance.

Center for Genomics, Ann and Robert H. Lurie Children's Hospital of Chicago
Classification: Uncertain significance for Arrhythmogenic right ventricular dysplasia 11. Review status: criteria provided, single submitter. Criteria: ACMG Guidelines, 2015. Collection method: clinical testing. Allele origin: germline.
Comment: DSC2 NM_024422.4 exon 5 p.Val188Met (c.562G>A): This variant has not been reported in the literature and is not present in large control databases. Evolutionary conservation and computational predictive tools for this variant are unclear. In summary, data on this variant is insufficient for disease classification. Therefore, the clinical significance of this variant is uncertain